The following is an entry in ClinVar:

NM_001220.5(CAMK2B):c.968C>T (p.Pro323Leu)

Gene: CAMK2B (calcium/calmodulin dependent protein kinase II beta; minus strand). Cytogenetic location: 7p13.
Variant type: single nucleotide variant.
Coding change: c.968C>T on transcript NM_001220.5 (MANE Select); coding-DNA position 968, C replaced by T.
Protein change: p.Pro323Leu; replaces proline 323 with leucine.
Molecular consequence: missense variant. On other transcripts: intron variant (5).
Genome position (GRCh38, 1-based): chr7:44,239,642, G>A on the plus strand (C>T on the coding strand, the complement: CAMK2B is on the minus strand). VCF-style: chr7-44239642-G-A. GRCh37 (hg19) VCF-style: chr7-44279241-G-A.
Other names: c.968C>T, p.Pro323Leu (NM_001293170.2, NM_172078.3, NM_172082.3); c.946+1065C>T (NM_172084.3, NM_172080.3, NM_172083.3 and 2 more transcripts); c.968C>T (NM_001220.4); short protein forms P323L.
Identifiers: ClinVar variation 1356145 (VCV001356145.9), dbSNP rs371618486, ClinGen allele CA4240522.

ClinVar aggregate classification (germline): Uncertain significance. Review status: criteria provided, multiple submitters, no conflicts (2 of 4 stars). 2 submissions from 2 submitters: Uncertain significance (2). Last evaluated 2025-08-11.

Conditions:
Inborn genetic diseases. Identifiers: MedGen C0950123, MeSH D030342.

Allele frequency attached by ClinVar (database versions not stated): gnomAD 0.00001; TOPMed 0.00001; ExAC 0.00005; ESP Exome Variant Server 0.00009.

Submissions (2):

Ambry Genetics
Classification: Uncertain significance for Inborn genetic diseases. Last evaluated: 2025-08-11. Review status: criteria provided, single submitter. Criteria: Ambry Variant Classification Scheme 2023. Collection method: clinical testing. Allele origin: germline.

Labcorp Genetics (formerly Invitae), Labcorp
Classification: Uncertain significance. Last evaluated: 2025-03-20. Review status: criteria provided, single submitter. Criteria: Invitae Variant Classification Sherloc (09022015). Collection method: clinical testing. Allele origin: germline.
Comment: This sequence change replaces proline, which is neutral and non-polar, with leucine, which is neutral and non-polar, at codon 323 of the CAMK2B protein (p.Pro323Leu). The frequency data for this variant in the population databases is considered unreliable, as metrics indicate poor data quality at this position in the gnomAD database. This variant has not been reported in the literature in individuals affected with CAMK2B-related conditions. ClinVar contains an entry for this variant (Variation ID: 1356145). An algorithm developed to predict the effect of missense changes on protein structure and function (PolyPhen-2) suggests that this variant is likely to be disruptive. In summary, the available evidence is currently insufficient to determine the role of this variant in disease. Therefore, it has been classified as a Variant of Uncertain Significance.